The following is an entry in ClinVar:

ClinVar aggregate classification (germline): Uncertain significance (1 of 4 stars; one submission).

Conditions:
MEGF10-related myopathy (CMYO10A). Also called: Congenital myopathy 10A, severe variant. Identifiers: Orphanet 439212, MedGen C3280679, MONDO:0013731, OMIM 614399.

Allele frequency attached by ClinVar (database versions not stated): gnomAD exomes below 0.00001 and 0.00001; ExAC 0.00002.
gnomAD v4.1: 5 of 1,614,092 alleles (0.00031%); highest among the groups gnomAD compares: Non-Finnish European, 0.00042%; no homozygotes.

Submission:

Labcorp Genetics (formerly Invitae), Labcorp
Classification: Uncertain significance for MEGF10-related myopathy. Last evaluated: 2022-08-10. Review status: criteria provided, single submitter. Criteria: Invitae Variant Classification Sherloc (09022015). Collection method: clinical testing. Allele origin: germline.
Comment: In summary, the available evidence is currently insufficient to determine the role of this variant in disease. Therefore, it has been classified as a Variant of Uncertain Significance. Algorithms developed to predict the effect of missense changes on protein structure and function (SIFT, PolyPhen-2, Align-GVGD) all suggest that this variant is likely to be disruptive. This sequence change replaces threonine, which is neutral and polar, with isoleucine, which is neutral and non-polar, at codon 676 of the MEGF10 protein (p.Thr676Ile). This variant is present in population databases (rs749879382, gnomAD 0.003%). This variant has not been reported in the literature in individuals affected with MEGF10-related conditions. ClinVar contains an entry for this variant (Variation ID: 1516566).

NM_001256545.2(MEGF10):c.2027C>T (p.Thr676Ile)

Gene: MEGF10 (multiple EGF like domains 10; plus strand). Cytogenetic location: 5q23.2.
Variant type: single nucleotide variant.
Coding change: c.2027C>T on transcript NM_001256545.2 (MANE Select); coding-DNA position 2027, C replaced by T.
Protein change: p.Thr676Ile; replaces threonine 676 with isoleucine.
Molecular consequence: missense variant.
Genome position (GRCh38, 1-based): chr5:127,435,412, C>T. VCF-style: chr5-127435412-C-T. GRCh37 (hg19) VCF-style: chr5-126771104-C-T.
Other names: c.2027C>T, p.Thr676Ile (NM_032446.3); short protein forms T676I.
Identifiers: ClinVar variation 1516566 (VCV001516566.6), dbSNP rs749879382, ClinGen allele CA3391817.